The following is an entry in ClinVar:

NM_032551.5(KISS1R):c.590G>T (p.Ser197Ile)

Gene: KISS1R (KISS1 receptor; plus strand). Cytogenetic location: 19p13.3.
Variant type: single nucleotide variant.
Coding change: c.590G>T on transcript NM_032551.5 (MANE Select); coding-DNA position 590, G replaced by T.
Protein change: p.Ser197Ile; replaces serine 197 with isoleucine.
Molecular consequence: missense variant.
Genome position (GRCh38, 1-based): chr19:919,958, G>T. VCF-style: chr19-919958-G-T. GRCh37 (hg19) VCF-style: chr19-919958-G-T.
Other names: c.590G>T (NM_032551.4); short protein forms S197I.
Identifiers: ClinVar variation 2973527 (VCV002973527.2), dbSNP rs769043782, ClinGen allele CA9028809.

ClinVar aggregate classification (germline): Uncertain significance. Review status: criteria provided, multiple submitters, no conflicts (2 of 4 stars). 2 submissions from 2 submitters: Uncertain significance (2). Last evaluated 2025-04-15.

Conditions:
Inborn genetic diseases. Identifiers: MedGen C0950123, MeSH D030342.

Allele frequency attached by ClinVar (database versions not stated): TOPMed 0.00002; gnomAD 0.00004; ExAC 0.00022.

Submissions (2):

Ambry Genetics
Classification: Uncertain significance for Inborn genetic diseases. Last evaluated: 2025-04-15. Review status: criteria provided, single submitter. Criteria: Ambry Variant Classification Scheme 2023. Collection method: clinical testing. Allele origin: germline.

Labcorp Genetics (formerly Invitae), Labcorp
Classification: Uncertain significance. Last evaluated: 2023-11-17. Review status: criteria provided, single submitter. Criteria: Invitae Variant Classification Sherloc (09022015). Collection method: clinical testing. Allele origin: germline.
Comment: This sequence change replaces serine, which is neutral and polar, with isoleucine, which is neutral and non-polar, at codon 197 of the KISS1R protein (p.Ser197Ile). The frequency data for this variant in the population databases is considered unreliable, as metrics indicate poor data quality at this position in the gnomAD database. This variant has not been reported in the literature in individuals affected with KISS1R-related conditions. Advanced modeling of protein sequence and biophysical properties (such as structural, functional, and spatial information, amino acid conservation, physicochemical variation, residue mobility, and thermodynamic stability) performed at Invitae indicates that this missense variant is not expected to disrupt KISS1R protein function with a negative predictive value of 80%. In summary, the available evidence is currently insufficient to determine the role of this variant in disease. Therefore, it has been classified as a Variant of Uncertain Significance.